The following is an entry in ClinVar:

NM_001330078.2(NRXN1):c.3802G>A (p.Asp1268Asn)

Gene: NRXN1 (neurexin 1; minus strand). Cytogenetic location: 2p16.3.
Variant type: single nucleotide variant.
Coding change: c.3802G>A on transcript NM_001330078.2 (MANE Select); coding-DNA position 3802, G replaced by A.
Protein change: p.Asp1268Asn; replaces aspartic acid 1268 with asparagine.
Molecular consequence: missense variant. On other transcripts: intron variant (8).
Genome position (GRCh38, 1-based): chr2:50,054,961, C>T on the plus strand (G>A on the coding strand, the complement: NRXN1 is on the minus strand). VCF-style: chr2-50054961-C-T. GRCh37 (hg19) VCF-style: chr2-50282099-C-T.
Other names: c.3922G>A, p.Asp1308Asn (NM_001135659.3); c.3778G>A, p.Asp1260Asn (NM_001330077.2, NM_001330082.2); c.3736G>A, p.Asp1246Asn (NM_001330084.2); c.3775G>A, p.Asp1259Asn (NM_001330085.2); c.3802G>A, p.Asp1268Asn (NM_001330086.2); c.697G>A, p.Asp233Asn (NM_001330091.2, NM_001330092.2); c.3799G>A, p.Asp1267Asn (NM_001330093.2); c.3790G>A, p.Asp1264Asn (NM_001330094.2); and 6 more; short protein forms D1246N, D1259N, D1260N, D1264N, D1267N, D1268N, D1308N, D233N.
Identifiers: ClinVar variation 3340372 (VCV003340372.1).

ClinVar aggregate classification (germline): Uncertain significance (1 of 4 stars; one submission).

Submission:

GeneDx
Classification: Uncertain significance. Last evaluated: 2023-12-28. Review status: criteria provided, single submitter. Criteria: GeneDx Variant Classification Process June 2021. Collection method: clinical testing. Allele origin: germline. Affected: yes.
Comment: Not observed at significant frequency in large population cohorts (gnomAD); In silico analysis supports that this missense variant does not alter protein structure/function; Has not been previously published as pathogenic or benign to our knowledge